The following is an entry in ClinVar:

ClinVar aggregate classification (germline): Pathogenic (1 of 4 stars; one submission).

Submission:

Labcorp Genetics (formerly Invitae), Labcorp
Classification: Pathogenic. Last evaluated: 2023-04-29. Review status: criteria provided, single submitter. Criteria: Invitae Variant Classification Sherloc (09022015). Collection method: clinical testing. Allele origin: germline.
Comment: For these reasons, this variant has been classified as Pathogenic. This variant has not been reported in the literature in individuals affected with HPS5-related conditions. This variant is not present in population databases (gnomAD no frequency). This sequence change creates a premature translational stop signal (p.His950Leufs*15) in the HPS5 gene. It is expected to result in an absent or disrupted protein product. Loss-of-function variants in HPS5 are known to be pathogenic (PMID: 12548288, 15296495, 21833017, 26785811).

Literature cited by the submitters: PubMed 12548288; PubMed 15296495; PubMed 21833017; PubMed 26785811.

NM_181507.2(HPS5):c.2849_2850del (p.His950fs)

Gene: HPS5 (HPS5 biogenesis of lysosomal organelles complex 2 subunit 2; minus strand). Cytogenetic location: 11p15.1.
Variant type: Microsatellite.
Coding change: c.2849_2850del on transcript NM_181507.2 (MANE Select); coding-DNA positions 2849 to 2850, 2 bases deleted (AC; older notation c.2849_2850delAC).
Protein change: p.His950fs; shifts the reading frame from histidine 950.
Molecular consequence: frameshift variant.
Genome position (GRCh38, 1-based): chr11:18,285,447-18,285,448, GT deleted on the plus strand (AC on the coding strand, the reverse complement: HPS5 is on the minus strand); deleting any 2 consecutive bases within chr11:18,285,447-18,285,451 gives the same sequence; the c. name uses the placement nearest the transcript's 3' end. VCF-style (leftmost placement, unchanged base first): chr11-18285446-AGT-A. GRCh37 (hg19) VCF-style: chr11-18306993-AGT-A.
Other names: c.2507_2508del, p.His836fs (NM_007216.4); c.2504_2505CA[1], p.His836Leufs (NM_181508.2); short protein forms H950fs, H836fs.
Identifiers: ClinVar variation 2860543 (VCV002860543.3), dbSNP rs1859580827, ClinGen allele CA935595359.